The following is an entry in ClinVar:

NM_171998.4(RAB39B):c.313G>A (p.Glu105Lys)

Gene: RAB39B (RAB39B, member RAS oncogene family; minus strand). Cytogenetic location: Xq28.
Variant type: single nucleotide variant.
Coding change: c.313G>A on transcript NM_171998.4 (MANE Select); coding-DNA position 313, G replaced by A.
Protein change: p.Glu105Lys; replaces glutamic acid 105 with lysine.
Molecular consequence: missense variant.
Genome position (GRCh38, 1-based): chrX:155,261,132, C>T on the plus strand (G>A on the coding strand, the complement: RAB39B is on the minus strand). VCF-style: chrX-155261132-C-T. GRCh37 (hg19) VCF-style: chrX-154490417-C-T.
Other names: short protein forms E105K.
Identifiers: ClinVar variation 2506112 (VCV002506112.1), dbSNP rs1217915838, ClinGen allele CA414924685.
Genomic context (GRCh38, chrX:155,261,132, plus strand): 5'-ACTTGTGACCCACCAGAACAAATACAATTTGGTAGGGCTGAACGTGTACTTTGGTCTCTT[C>T]TAACCACTCATGGACATTCTGGAAGGACCTGCGGTTGGTAATGTCAAATAAGAGAAGACC-3'
Protein context (NP_741995.1, residues 95-115): RSFQNVHEWL[Glu105Lys]ETKVHVQPYQ

ClinVar aggregate classification (germline): Uncertain significance (1 of 4 stars; one submission).

Allele frequency attached by ClinVar (database versions not stated): gnomAD exomes below 0.00001; gnomAD 0.00001; TOPMed 0.00002.
gnomAD v4.1: 5 of 1,208,715 alleles (0.00041%); highest among the groups gnomAD compares: East Asian, 0.015%; no homozygotes.

Submission:

Women's Health and Genetics/Laboratory Corporation of America, LabCorp
Classification: Uncertain significance. Last evaluated: 2023-05-19. Review status: criteria provided, single submitter. Criteria: LabCorp Variant Classification Summary - May 2015. Collection method: clinical testing. Allele origin: germline.
Comment: Variant summary: RAB39B c.313G>A (p.Glu105Lys) results in a conservative amino acid change located in the small GTP-binding protein domain (IPR005225) of the encoded protein sequence. Four of five in-silico tools predict a benign effect of the variant on protein function. The variant allele was found at a frequency of 2.2e-05 in 182895 control chromosomes, including two hemizygotes (gnomAD). The available data on variant occurrences in the general population are insufficient to allow any conclusion about variant significance. To our knowledge, no occurrence of c.313G>A in individuals affected with RAB39B Related Disorders and no experimental evidence demonstrating its impact on protein function have been reported. No clinical diagnostic laboratories have submitted clinical-significance assessments for this variant to ClinVar after 2014. Based on the evidence outlined above, the variant was classified as uncertain significance.